The following is an entry in ClinVar:

NM_003238.6(TGFB2):c.346+1G>T

Gene: TGFB2 (transforming growth factor beta 2; plus strand). Cytogenetic location: 1q41.
Variant type: single nucleotide variant.
Coding change: c.346+1G>T on transcript NM_003238.6 (MANE Select); the canonical splice donor site of the intron after coding-DNA position 346, G replaced by T.
Molecular consequence: splice donor variant.
Genome position (GRCh38, 1-based): chr1:218,347,048, G>T. VCF-style: chr1-218347048-G-T. GRCh37 (hg19) VCF-style: chr1-218520390-G-T.
Other names: c.346+1G>T (NM_001135599.4).
Identifiers: ClinVar variation 575492 (VCV000575492.13), dbSNP rs1553292145, ClinGen allele CA344725837.

ClinVar aggregate classification (germline): Likely pathogenic. Review status: criteria provided, multiple submitters, no conflicts (2 of 4 stars). 2 submissions from 2 submitters: Likely pathogenic (2). Last evaluated 2025-03-26.

Conditions:
Familial thoracic aortic aneurysm and aortic dissection (TAAD). Also called: Thoracic aortic aneurysms and dissections. Identifiers: Orphanet 91387, MedGen C4707243, MONDO:0019625.
Loeys-Dietz syndrome 4 (LDS4). Also called: ANEURYSM, AORTIC AND CEREBRAL, WITH ARTERIAL TORTUOSITY AND SKELETAL MANIFESTATIONS; TGFB2-Related Loeys-Dietz Syndrome. Identifiers: MedGen C3553762, MONDO:0013897, OMIM 614816.

Submissions (2):

Labcorp Genetics (formerly Invitae), Labcorp
Classification: Likely pathogenic for Loeys-Dietz syndrome 4. Last evaluated: 2025-03-26. Review status: criteria provided, single submitter. Criteria: Invitae Variant Classification Sherloc (09022015). Collection method: clinical testing. Allele origin: germline.
Comment: This sequence change affects a donor splice site in intron 1 of the TGFB2 gene. It is expected to disrupt RNA splicing. Variants that disrupt the donor or acceptor splice site typically lead to a loss of protein function (PMID: 16199547), and loss-of-function variants in TGFB2 are known to be pathogenic (PMID: 22772368, 22772371, 30739908). This variant is not present in population databases (gnomAD no frequency). Disruption of this splice site has been observed in individual(s) with TGFB2-related conditions and/or thoracic aortic aneurysm and dissection (PMID: 30739908, 36517271). ClinVar contains an entry for this variant (Variation ID: 575492). Algorithms developed to predict the effect of sequence changes on RNA splicing suggest that this variant may disrupt the consensus splice site. In summary, the currently available evidence indicates that the variant is pathogenic, but additional data are needed to prove that conclusively. Therefore, this variant has been classified as Likely Pathogenic.

Ambry Genetics
Classification: Likely pathogenic for Familial thoracic aortic aneurysm and aortic dissection. Last evaluated: 2021-05-19. Review status: criteria provided, single submitter. Criteria: Ambry Variant Classification Scheme 2023. Collection method: clinical testing. Allele origin: germline.
Comment: The c.346+1G>T intronic variant results from a G to T substitution one nucleotide after coding exon 1 of the TGFB2 gene. This variant is considered to be rare based on population cohorts in the Genome Aggregation Database (gnomAD). This nucleotide position is highly conserved in available vertebrate species. In silico splice site analysis predicts that this alteration will weaken the native splice donor site and will result in the creation or strengthening of a novel splice donor site. Alterations that disrupt the canonical splice site are expected to cause aberrant splicing, resulting in an abnormal protein or a transcript that is subject to nonsense-mediated mRNA decay. As such, this alteration is classified as likely pathogenic.

Literature cited by the submitters: PubMed 16199547 (cited by Labcorp Genetics (formerly Invitae), Labcorp); PubMed 22772368 (cited by Labcorp Genetics (formerly Invitae), Labcorp); PubMed 22772371 (cited by Labcorp Genetics (formerly Invitae), Labcorp); PubMed 30739908 (cited by Labcorp Genetics (formerly Invitae), Labcorp); PubMed 36517271 (cited by Labcorp Genetics (formerly Invitae), Labcorp).